The following is an entry in ClinVar:

NM_025114.4(CEP290):c.5521G>A (p.Glu1841Lys)

Gene: CEP290 (centrosomal protein 290; minus strand). Cytogenetic location: 12q21.32.
Variant type: single nucleotide variant.
Coding change: c.5521G>A on transcript NM_025114.4 (MANE Select); coding-DNA position 5521, G replaced by A.
Protein change: p.Glu1841Lys; replaces glutamic acid 1841 with lysine.
Molecular consequence: missense variant.
Genome position (GRCh38, 1-based): chr12:88,077,762, C>T on the plus strand (G>A on the coding strand, the complement: CEP290 is on the minus strand). VCF-style: chr12-88077762-C-T. GRCh37 (hg19) VCF-style: chr12-88471539-C-T.
Other names: short protein forms E1841K.
Identifiers: ClinVar variation 166832 (VCV000166832.19), dbSNP rs200158553, ClinGen allele CA233671.

ClinVar aggregate classification (germline): Benign/Likely benign. Review status: criteria provided, multiple submitters, no conflicts (2 of 4 stars). 5 submissions from 5 submitters: Benign (1); Likely benign (4). Last evaluated 2026-01-28.

Conditions:
CEP290-related disorder. Also called: CEP290-related condition; CEP290-related disorders. Identifiers: MedGen CN239314.
Nephronophthisis. Also called: Juvenile Nephronophthisis. Identifiers: Orphanet 655, MedGen C0687120, MONDO:0019005, HP:0000090.
Joubert syndrome. Also called: JOUBERT-BOLTSHAUSER SYNDROME; Familial aplasia of the vermis. Identifiers: Orphanet 475, MedGen C5979921, MONDO:0018772.
Meckel-Gruber syndrome. Also called: Dysencephalia splachnocystica; DYSENCEPHALIA SPLANCHNOCYSTICA; GRUBER SYNDROME. Identifiers: Orphanet 564, MedGen C0265215, MONDO:0018921.

Allele frequency attached by ClinVar (database versions not stated): gnomAD exomes 0.00008 and 0.00034; ExAC 0.00052; gnomAD 0.00011; TOPMed 0.00019.
gnomAD v4.1: 140 of 1,581,394 alleles (0.0089%); highest among the groups gnomAD compares: Admixed American, 0.12%; no homozygotes.

Submissions (5):

Labcorp Genetics (formerly Invitae), Labcorp
Classification: Benign for Joubert syndrome; Meckel-Gruber syndrome; Nephronophthisis. Last evaluated: 2026-01-28. Review status: criteria provided, single submitter. Criteria: Invitae Variant Classification Sherloc (09022015). Collection method: clinical testing. Allele origin: germline.

PreventionGenetics, part of Exact Sciences
Classification: Likely benign for CEP290-related condition. Last evaluated: 2026-01-26. Review status: criteria provided, single submitter. Criteria: ACMG Guidelines, 2015. Collection method: clinical testing. Allele origin: germline.
Comment: This variant is classified as likely benign based on ACMG/AMP sequence variant interpretation guidelines (Richards et al. 2015 PMID: 25741868, with internal and published modifications).

Blueprint Genetics
Classification: Likely benign. Last evaluated: 2024-10-18. Review status: criteria provided, single submitter. Criteria: ACMG Guidelines, 2015. Collection method: clinical testing. Allele origin: germline.

GeneDx
Classification: Likely benign. Last evaluated: 2017-01-26. Review status: criteria provided, single submitter. Criteria: GeneDx Variant Classification (06012015). Collection method: clinical testing. Allele origin: germline. Affected: yes.
Comment: This variant is considered likely benign or benign based on one or more of the following criteria: it is a conservative change, it occurs at a poorly conserved position in the protein, it is predicted to be benign by multiple in silico algorithms, and/or has population frequency not consistent with disease.

Eurofins Ntd Llc (ga)
Classification: Likely benign. Last evaluated: 2016-03-02. Review status: criteria provided, single submitter. Criteria: EGL Classification Definitions 2015. Collection method: clinical testing. Allele origin: germline. Observed: 2 variant alleles, 2 heterozygotes.